The following is an entry in ClinVar:

ClinVar aggregate classification (germline): Benign (1 of 4 stars; one submission).

Allele frequency attached by ClinVar (database versions not stated): 1000 Genomes Project 30x 0.63616; 1000 Genomes Project 0.64018; TOPMed 0.69123; gnomAD 0.70707 and 0.70813.
gnomAD v4.1: 107,213 of 151,316 alleles (71%); highest among the groups gnomAD compares: Non-Finnish European, 81%; 39,003 homozygotes.

Submission:

GeneDx
Classification: Benign. Last evaluated: 2018-06-14. Review status: criteria provided, single submitter. Criteria: GeneDx Variant Classification (06012015). Collection method: clinical testing. Allele origin: germline. Affected: yes.
Comment: This variant is considered likely benign or benign based on one or more of the following criteria: it is a conservative change, it occurs at a poorly conserved position in the protein, it is predicted to be benign by multiple in silico algorithms, and/or has population frequency not consistent with disease.

NM_000393.5(COL5A2):c.2715+238A>T

Gene: COL5A2 (collagen type V alpha 2 chain; minus strand). Cytogenetic location: 2q32.2.
Variant type: single nucleotide variant.
Coding change: c.2715+238A>T on transcript NM_000393.5 (MANE Select); 238 bases into the intron after coding-DNA position 2715, A replaced by T.
Molecular consequence: intron variant.
Genome position (GRCh38, 1-based): chr2:189,052,511, T>A on the plus strand (A>T on the coding strand, the complement: COL5A2 is on the minus strand). VCF-style: chr2-189052511-T-A. GRCh37 (hg19) VCF-style: chr2-189917237-T-A.
Identifiers: ClinVar variation 679172 (VCV000679172.1), dbSNP rs62184178, ClinGen allele CA62596623.